The following is an entry in ClinVar:

NM_001366521.1(ATP2B1):c.3550A>G (p.Asn1184Asp)

Gene: ATP2B1 (ATPase plasma membrane Ca2+ transporting 1; minus strand). Cytogenetic location: 12q21.33.
Variant type: single nucleotide variant.
Coding change: c.3550A>G on transcript NM_001366521.1 (MANE Select); coding-DNA position 3550, A replaced by G.
Protein change: p.Asn1184Asp; replaces asparagine 1184 with aspartic acid.
Molecular consequence: missense variant. On other transcripts: 3 prime UTR variant (9), non-coding transcript variant (3).
Genome position (GRCh38, 1-based): chr12:89,591,097, T>C on the plus strand (A>G on the coding strand, the complement: ATP2B1 is on the minus strand). VCF-style: chr12-89591097-T-C. GRCh37 (hg19) VCF-style: chr12-89984874-T-C.
Other names: c.*173A>G (NM_001001323.2, NM_001366523.1, NM_001366528.1 and 2 more transcripts); c.3550A>G, p.Asn1184Asp (NM_001366520.1, NM_001366522.1, NM_001413046.1 and 2 more transcripts); c.3637A>G, p.Asn1213Asp (NM_001366524.1, NM_001366525.1); c.*186A>G (NM_001366526.1, NM_001366527.1, NM_001366529.1 and 1 more transcripts); c.3511A>G, p.Asn1171Asp (NM_001413048.1); c.3442A>G, p.Asn1148Asp (NM_001413049.1, NM_001413050.1); c.3409A>G, p.Asn1137Asp (NM_001413051.1, NM_001413052.1); c.3352A>G, p.Asn1118Asp (NM_001413053.1); and 5 more; short protein forms N1101D, N1171D, N1103D, N1118D, N1148D, N1184D, N1137D, N1033D.
Identifiers: ClinVar variation 2530336 (VCV002530336.2), dbSNP rs2540633745, ClinGen allele CA385997409.

ClinVar aggregate classification (germline): Uncertain significance (1 of 4 stars; one submission).

Conditions:
Inborn genetic diseases. Identifiers: MedGen C0950123, MeSH D030342.

Submission:

Ambry Genetics
Classification: Uncertain significance for Inborn genetic diseases. Last evaluated: 2023-05-15. Review status: criteria provided, single submitter. Criteria: Ambry Variant Classification Scheme 2023. Collection method: clinical testing. Allele origin: germline.
Comment: The c.3550A>G (p.N1184D) alteration is located in exon 20 (coding exon 20) of the ATP2B1 gene. This alteration results from an A to G substitution at nucleotide position 3550, causing the asparagine (N) at amino acid position 1184 to be replaced by an aspartic acid (D). This variant was not reported in population-based cohorts in the Genome Aggregation Database (gnomAD). This amino acid position is highly conserved in available vertebrate species. The in silico prediction for this alteration is inconclusive. Based on insufficient or conflicting evidence, the clinical significance of this alteration remains unclear.